The following is an entry in ClinVar:

NM_002890.3(RASA1):c.117dup (p.Ala40fs)

Gene: RASA1 (RAS p21 protein activator 1; plus strand). Cytogenetic location: 5q14.3.
Variant type: Duplication.
Coding change: c.117dup on transcript NM_002890.3 (MANE Select); coding-DNA position 117, one base duplicated (C; older notation c.117dupC).
Protein change: p.Ala40fs; shifts the reading frame from alanine 40.
Molecular consequence: frameshift variant.
Genome position (GRCh38, 1-based): chr5:87,268,568, C duplicated; the last of 3 consecutive C bases (chr5:87,268,566-87,268,568); duplicating any one gives the same sequence. VCF-style (leftmost placement, unchanged base first): chr5-87268565-A-AC. GRCh37 (hg19) VCF-style: chr5-86564382-A-AC.
Other names: short protein forms A40fs.
Identifiers: ClinVar variation 4724217 (VCV004724217.1).

ClinVar aggregate classification (germline): Pathogenic (1 of 4 stars; one submission).

Conditions:
Capillary malformation-arteriovenous malformation syndrome. Also called: Capillary malformation-arteriovenous malformation. Identifiers: Orphanet 137667, MedGen C1842180, MONDO:0012016.

Submission:

Labcorp Genetics (formerly Invitae), Labcorp
Classification: Pathogenic for Capillary malformation-arteriovenous malformation syndrome. Last evaluated: 2025-07-29. Review status: criteria provided, single submitter. Criteria: Invitae Variant Classification Sherloc (09022015). Collection method: clinical testing. Allele origin: germline.
Comment: This sequence change creates a premature translational stop signal (p.Ala40Argfs*72) in the RASA1 gene. It is expected to result in an absent or disrupted protein product. Loss-of-function variants in RASA1 are known to be pathogenic (PMID: 24038909). This variant is not present in population databases (gnomAD no frequency). This variant has not been reported in the literature in individuals affected with RASA1-related conditions. For these reasons, this variant has been classified as Pathogenic.

Literature cited by the submitters: PubMed 24038909.